The following is an entry in ClinVar:

NM_000017.4(ACADS):c.795+1G>A

Gene: ACADS (acyl-CoA dehydrogenase short chain; plus strand). Cytogenetic location: 12q24.31.
Variant type: single nucleotide variant.
Coding change: c.795+1G>A on transcript NM_000017.4 (MANE Select); the canonical splice donor site of the intron after coding-DNA position 795, G replaced by A.
Molecular consequence: splice donor variant.
Genome position (GRCh38, 1-based): chr12:120,738,451, G>A. VCF-style: chr12-120738451-G-A. GRCh37 (hg19) VCF-style: chr12-121176254-G-A.
Other names: c.783+1G>A (NM_001302554.2).
Identifiers: ClinVar variation 1193318 (VCV001193318.17), dbSNP rs752978753, ClinGen allele CA6831053.

ClinVar aggregate classification (germline): Pathogenic/Likely pathogenic. Review status: criteria provided, multiple submitters, no conflicts (2 of 4 stars). 4 submissions from 4 submitters: Pathogenic (1); Likely pathogenic (3). Last evaluated 2022-09-19.

Conditions:
Deficiency of butyryl-CoA dehydrogenase (ACADSD). Also called: SCAD Deficiency; SCAD DEFICIENCY, MILD; ACYL-CoA DEHYDROGENASE, SHORT-CHAIN, DEFICIENCY OF; Short-Chain Acyl-CoA Dehydrogenase Deficiency; SCADH DEFICIENCY; ACADS DEFICIENCY. Identifiers: Orphanet 26792, MedGen C0342783, MONDO:0008722, OMIM 201470. Disease mechanism: May be benign.

Allele frequency attached by ClinVar (database versions not stated): ExAC 0.00001.

Submissions (5):

Labcorp Genetics (formerly Invitae), Labcorp
Classification: Likely pathogenic for Deficiency of butyryl-CoA dehydrogenase. Last evaluated: 2022-09-19. Review status: criteria provided, single submitter. Criteria: Invitae Variant Classification Sherloc (09022015). Collection method: clinical testing. Allele origin: germline.
Comment: In summary, the currently available evidence indicates that the variant is pathogenic, but additional data are needed to prove that conclusively. Therefore, this variant has been classified as Likely Pathogenic. Algorithms developed to predict the effect of sequence changes on RNA splicing suggest that this variant may disrupt the consensus splice site. ClinVar contains an entry for this variant (Variation ID: 1193318). This variant has not been reported in the literature in individuals affected with ACADS-related conditions. This variant is not present in population databases (gnomAD no frequency). This sequence change affects a donor splice site in intron 6 of the ACADS gene. It is expected to disrupt RNA splicing. Variants that disrupt the donor or acceptor splice site typically lead to a loss of protein function (PMID: 16199547), and loss-of-function variants in ACADS are known to be pathogenic (PMID: 12736383, 18523805).

GeneDx
Classification: Likely pathogenic. Last evaluated: 2019-11-08. Review status: criteria provided, single submitter. Criteria: GeneDx Variant Classification Process June 2021. Collection method: clinical testing. Allele origin: germline. Affected: yes.
Comment: Canonical splice site variant predicted to result in an in-frame deletion of a critical region; Not observed in large population cohorts (Lek et al., 2016)

Genetic Services Laboratory, University of Chicago
Classification: Pathogenic. Last evaluated: 2017-07-24. Review status: criteria provided, single submitter. Criteria: ACMG Guidelines, 2015. Collection method: clinical testing. Allele origin: germline. Affected: yes.

Juno Genomics, Hangzhou Juno Genomics, Inc
Classification: Likely pathogenic for Deficiency of butyryl-CoA dehydrogenase. Review status: criteria provided, single submitter. Criteria: ACMG Guidelines, 2015. Collection method: clinical testing. Allele origin: germline.
Comment: Absent from controls (or at extremely low frequency if recessive) in Genome Aggregation Database.;Null variant in a gene where loss of function (LOF) is a known mechanism of disease.;For recessive disorders, detected in trans with a pathogenic variant.;Patient's phenotype or family history is highly specific for a disease with a single genetic etiology.

Dr. Peter K. Rogan Lab, Western University
No classification provided (evidence only). Condition: Hepatocellular carcinoma. Review status: no classification provided. Collection method: in vitro. Allele origin: not applicable. Functional consequence: retained intron. Not counted in ClinVar's aggregate classification.

Literature cited by the submitters: PubMed 16199547 (cited by Labcorp Genetics (formerly Invitae), Labcorp); PubMed 12736383 (cited by Labcorp Genetics (formerly Invitae), Labcorp); PubMed 18523805 (cited by Labcorp Genetics (formerly Invitae), Labcorp).